The following is an entry in ClinVar:

NM_001243279.3(ACSF3):c.788C>G (p.Thr263Ser)

Gene: ACSF3 (acyl-CoA synthetase family member 3; plus strand). Cytogenetic location: 16q24.3.
Variant type: single nucleotide variant.
Coding change: c.788C>G on transcript NM_001243279.3 (MANE Select); coding-DNA position 788, C replaced by G.
Protein change: p.Thr263Ser; replaces threonine 263 with serine.
Molecular consequence: missense variant. On other transcripts: 5 prime UTR variant (1), non-coding transcript variant (3).
Genome position (GRCh38, 1-based): chr16:89,102,725, C>G. VCF-style: chr16-89102725-C-G. GRCh37 (hg19) VCF-style: chr16-89169133-C-G.
Other names: c.788C>G, p.Thr263Ser (NM_001127214.4, NM_174917.5); c.-8C>G (NM_001284316.2); short protein forms T263S.
Identifiers: ClinVar variation 1014125 (VCV001014125.5), dbSNP rs1975498120, ClinGen allele CA397137979.

ClinVar aggregate classification (germline): Uncertain significance (1 of 4 stars; one submission).

Conditions:
Combined malonic and methylmalonic acidemia. Identifiers: Orphanet 289504, MedGen C3280314, MONDO:0013661, OMIM 614265.

Allele frequency attached by ClinVar (database versions not stated): gnomAD exomes below 0.00001; gnomAD 0.00001; TOPMed 0.00001.
gnomAD v4.1: 4 of 1,612,896 alleles (0.00025%); highest among the groups gnomAD compares: Admixed American, 0.0017%; no homozygotes.

Submission:

Labcorp Genetics (formerly Invitae), Labcorp
Classification: Uncertain significance for Combined malonic and methylmalonic acidemia. Last evaluated: 2024-04-10. Review status: criteria provided, single submitter. Criteria: Invitae Variant Classification Sherloc (09022015). Collection method: clinical testing. Allele origin: germline.
Comment: This sequence change replaces threonine, which is neutral and polar, with serine, which is neutral and polar, at codon 263 of the ACSF3 protein (p.Thr263Ser). This variant is not present in population databases (gnomAD no frequency). This variant has not been reported in the literature in individuals affected with ACSF3-related conditions. ClinVar contains an entry for this variant (Variation ID: 1014125). Advanced modeling of protein sequence and biophysical properties (such as structural, functional, and spatial information, amino acid conservation, physicochemical variation, residue mobility, and thermodynamic stability) has been performed at Invitae for this missense variant, however the output from this modeling did not meet the statistical confidence thresholds required to predict the impact of this variant on ACSF3 protein function. In summary, the available evidence is currently insufficient to determine the role of this variant in disease. Therefore, it has been classified as a Variant of Uncertain Significance.